The following is an entry in ClinVar:

ClinVar aggregate classification (germline): Uncertain significance (1 of 4 stars; one submission).

Conditions:
Hyperekplexia 3 (HKPX3). Also called: HYPEREKPLEXIA 3, AUTOSOMAL RECESSIVE; HYPEREKPLEXIA 3, AUTOSOMAL DOMINANT. Identifiers: Orphanet 3197, MedGen C3553288, MONDO:0013827, OMIM 614618.

Submission:

Labcorp Genetics (formerly Invitae), Labcorp
Classification: Uncertain significance for Hyperekplexia 3. Last evaluated: 2025-06-02. Review status: criteria provided, single submitter. Criteria: Invitae Variant Classification Sherloc (09022015). Collection method: clinical testing. Allele origin: germline.
Comment: This sequence change replaces alanine, which is neutral and non-polar, with valine, which is neutral and non-polar, at codon 284 of the SLC6A5 protein (p.Ala284Val). This variant is not present in population databases (gnomAD no frequency). This variant has not been reported in the literature in individuals affected with SLC6A5-related conditions. ClinVar contains an entry for this variant (Variation ID: 2104935). Invitae Evidence Modeling of protein sequence and biophysical properties (such as structural, functional, and spatial information, amino acid conservation, physicochemical variation, residue mobility, and thermodynamic stability) has been performed for this missense variant. However, the output from this modeling did not meet the statistical confidence thresholds required to predict the impact of this variant on SLC6A5 protein function. In summary, the available evidence is currently insufficient to determine the role of this variant in disease. Therefore, it has been classified as a Variant of Uncertain Significance.

NM_004211.5(SLC6A5):c.851C>T (p.Ala284Val)

Gene: SLC6A5 (solute carrier family 6 member 5; plus strand). Cytogenetic location: 11p15.1.
Variant type: single nucleotide variant.
Coding change: c.851C>T on transcript NM_004211.5 (MANE Select); coding-DNA position 851, C replaced by T.
Protein change: p.Ala284Val; replaces alanine 284 with valine.
Molecular consequence: missense variant.
Genome position (GRCh38, 1-based): chr11:20,607,518, C>T. VCF-style: chr11-20607518-C-T. GRCh37 (hg19) VCF-style: chr11-20629064-C-T.
Other names: c.149C>T, p.Ala50Val (NM_001318369.2); short protein forms A284V, A50V.
Identifiers: ClinVar variation 2104935 (VCV002104935.4), dbSNP rs1852607333, ClinGen allele CA379914003.